The following is an entry in ClinVar:

NM_000368.5(TSC1):c.116C>T (p.Pro39Leu)

Gene: TSC1 (TSC complex subunit 1; minus strand). Cytogenetic location: 9q34.13.
Variant type: single nucleotide variant.
Coding change: c.116C>T on transcript NM_000368.5 (MANE Select); coding-DNA position 116, C replaced by T.
Protein change: p.Pro39Leu; replaces proline 39 with leucine.
Molecular consequence: missense variant. On other transcripts: intron variant (1).
Genome position (GRCh38, 1-based): chr9:132,927,295, G>A on the plus strand (C>T on the coding strand, the complement: TSC1 is on the minus strand). VCF-style: chr9-132927295-G-A. GRCh37 (hg19) VCF-style: chr9-135802682-G-A.
Other names: c.116C>T, p.Pro39Leu (NM_001162426.2, NM_001162427.2, NM_001406592.1 and 21 more transcripts); c.-373C>T (NM_001406615.1, NM_001406623.1); c.-340C>T (NM_001406616.1, NM_001406624.1); c.-762C>T (NM_001406626.1, NM_001406627.1, NM_001406628.1); c.-904C>T (NM_001406629.1); c.-978C>T (NM_001406630.1); c.-154+1472C>T (NM_001362177.2); short protein forms P39L.
Identifiers: ClinVar variation 1983715 (VCV001983715.4), dbSNP rs770831962, ClinGen allele CA375375221.
Genomic context (GRCh38, chr9:132,927,295, plus strand): 5'-TGCAATGCCGGCTGAGAGCTGGTTTCCAGGTAATAATCCACCAAGGTGTTTACAAGCATA[G>A]GGCCACGGTCTAAATCAAGAAAAGGGCAATGGATGATACTTATTCCCCTTAACATCCTAA-3'
Protein context (NP_000359.1, residues 29-49): FKENLNSDRG[Pro39Leu]MLVNTLVDYY

ClinVar aggregate classification (germline): Uncertain significance (1 of 4 stars; one submission).

Conditions:
Tuberous sclerosis 1 (TSC1). Identifiers: Orphanet 805, MedGen C1854465, MONDO:0008612, OMIM 191100.

Submission:

Labcorp Genetics (formerly Invitae), Labcorp
Classification: Uncertain significance for Tuberous sclerosis 1. Last evaluated: 2023-10-26. Review status: criteria provided, single submitter. Criteria: Invitae Variant Classification Sherloc (09022015). Collection method: clinical testing. Allele origin: germline.
Comment: This sequence change replaces proline, which is neutral and non-polar, with leucine, which is neutral and non-polar, at codon 39 of the TSC1 protein (p.Pro39Leu). This variant is not present in population databases (gnomAD no frequency). This variant has not been reported in the literature in individuals affected with TSC1-related conditions. ClinVar contains an entry for this variant (Variation ID: 1983715). Advanced modeling of protein sequence and biophysical properties (such as structural, functional, and spatial information, amino acid conservation, physicochemical variation, residue mobility, and thermodynamic stability) performed at Invitae indicates that this missense variant is not expected to disrupt TSC1 protein function with a negative predictive value of 95%. In summary, the available evidence is currently insufficient to determine the role of this variant in disease. Therefore, it has been classified as a Variant of Uncertain Significance.